The following is an entry in ClinVar:

ClinVar aggregate classification (germline): Uncertain significance (1 of 4 stars; one submission).

Submission:

Women's Health and Genetics/Laboratory Corporation of America, LabCorp
Classification: Uncertain significance. Last evaluated: 2025-09-16. Review status: criteria provided, single submitter. Criteria: LabCorp Variant Classification Summary - May 2015. Collection method: clinical testing. Allele origin: germline.
Comment: Variant summary: BTD c.641C>G (p.Thr214Ser) results in a conservative amino acid change in the encoded protein sequence. Algorithms developed to predict the effect of missense changes on protein structure and function are either unavailable or do not agree on the potential impact of this missense change. The variant allele was found at a frequency of 4e-06 in 251482 control chromosomes. The available data on variant occurrences in the general population are insufficient to allow any conclusion about variant significance. To our knowledge, no occurrence of c.641C>G in individuals affected with BTD-related conditions and no experimental evidence demonstrating its impact on protein function have been reported. Two different variants affecting the same codon have been classified as likely pathogenic/pathogenic by our lab (c.641C>T, p.Thr214Ile; c.640A>G, p.Thr214Ala), supporting the critical relevance of codon 214 to BTD protein function. No submitters have cited clinical-significance assessments for this variant to ClinVar. Based on the evidence outlined above, the variant was classified as VUS-possibly pathogenic.

NM_001370658.1(BTD):c.641C>G (p.Thr214Ser)

Gene: BTD (biotinidase; plus strand). Cytogenetic location: 3p25.1.
Variant type: single nucleotide variant.
Coding change: c.641C>G on transcript NM_001370658.1 (MANE Select); coding-DNA position 641, C replaced by G.
Protein change: p.Thr214Ser; replaces threonine 214 with serine.
Molecular consequence: missense variant. On other transcripts: intron variant (6).
Genome position (GRCh38, 1-based): chr3:15,644,557, C>G. VCF-style: chr3-15644557-C-G. GRCh37 (hg19) VCF-style: chr3-15686064-C-G.
Other names: c.641C>G, p.Thr214Ser (NM_001407368.1, NM_001407369.1, NM_001407370.1 and 18 more transcripts); c.399+2500C>G (NM_001370753.1, NM_001407400.1, NM_001407401.1 and 3 more transcripts); short protein forms T214S.
Identifiers: ClinVar variation 4536156 (VCV004536156.1).